The following is an entry in ClinVar:

NM_000051.4(ATM):c.4576C>A (p.Pro1526Thr)

Gene: ATM (ATM serine/threonine kinase; plus strand). Cytogenetic location: 11q22.3.
Variant type: single nucleotide variant.
Coding change: c.4576C>A on transcript NM_000051.4 (MANE Select); coding-DNA position 4576, C replaced by A.
Protein change: p.Pro1526Thr; replaces proline 1526 with threonine.
Molecular consequence: missense variant.
Genome position (GRCh38, 1-based): chr11:108,292,758, C>A. VCF-style: chr11-108292758-C-A. GRCh37 (hg19) VCF-style: chr11-108163485-C-A.
Other names: c.4576C>A, p.Pro1526Thr (NM_001351834.2); short protein forms P1526T.
Identifiers: ClinVar variation 407524 (VCV000407524.20), dbSNP rs748898098, ClinGen allele CA6265497.

ClinVar aggregate classification (germline): Uncertain significance. Review status: criteria provided, multiple submitters, no conflicts (2 of 4 stars). 4 submissions from 4 submitters: Uncertain significance (3). 1 of the submissions does not count toward it. Last evaluated 2025-01-13.

Conditions:
Ataxia-telangiectasia syndrome (AT). Also called: Ataxia telangiectasia (A-T); LOUIS-BAR SYNDROME; Cerebello-oculocutaneous telangiectasia; Immunodeficiency with ataxia telangiectasia; Ataxia-telangiectasia, complementation group D; AT, COMPLEMENTATION GROUP C. Identifiers: Orphanet 100, MedGen C0004135, MONDO:0008840, OMIM 208900.
Hereditary cancer-predisposing syndrome. Also called: Hereditary neoplastic syndrome; Neoplastic Syndromes, Hereditary; Tumor predisposition; Hereditary Cancer Syndrome. Identifiers: Orphanet 140162, MedGen C0027672, MeSH D009386, MONDO:0015356.
Familial cancer of breast. Also called: Hereditary breast cancer; hereditary breast carcinoma; BREAST CANCER, FAMILIAL. Identifiers: Orphanet 227535, MedGen C0346153, MONDO:0016419, OMIM 114480. Disease mechanism: loss of function.

Allele frequency attached by ClinVar (database versions not stated): gnomAD exomes 0.00001; ExAC 0.00002.
gnomAD v4.1: 2 of 1,613,978 alleles (0.00012%); highest among the groups gnomAD compares: Non-Finnish European, 0.000085%; no homozygotes.

Submissions (4):

Labcorp Genetics (formerly Invitae), Labcorp
Classification: Uncertain significance for Ataxia-telangiectasia syndrome. Last evaluated: 2025-01-13. Review status: criteria provided, single submitter. Criteria: Invitae Variant Classification Sherloc (09022015). Collection method: clinical testing. Allele origin: germline.
Comment: This sequence change replaces proline, which is neutral and non-polar, with threonine, which is neutral and polar, at codon 1526 of the ATM protein (p.Pro1526Thr). This variant is present in population databases (rs748898098, gnomAD 0.01%). This variant has not been reported in the literature in individuals affected with ATM-related conditions. ClinVar contains an entry for this variant (Variation ID: 407524). Invitae Evidence Modeling of protein sequence and biophysical properties (such as structural, functional, and spatial information, amino acid conservation, physicochemical variation, residue mobility, and thermodynamic stability) indicates that this missense variant is not expected to disrupt ATM protein function with a negative predictive value of 95%. In summary, the available evidence is currently insufficient to determine the role of this variant in disease. Therefore, it has been classified as a Variant of Uncertain Significance.

Ambry Genetics
Classification: Uncertain significance for Hereditary cancer-predisposing syndrome. Last evaluated: 2023-05-18. Review status: criteria provided, single submitter. Criteria: Ambry Variant Classification Scheme 2023. Collection method: clinical testing. Allele origin: germline.
Comment: The p.P1526T variant (also known as c.4576C>A), located in coding exon 29 of the ATM gene, results from a C to A substitution at nucleotide position 4576. The proline at codon 1526 is replaced by threonine, an amino acid with highly similar properties. This amino acid position is well conserved in available vertebrate species. In addition, the in silico prediction for this alteration is inconclusive. Since supporting evidence is limited at this time, the clinical significance of this alteration remains unclear.

Fulgent Genetics
Classification: Uncertain significance for Familial cancer of breast; Ataxia-telangiectasia syndrome. Last evaluated: 2018-10-31. Review status: criteria provided, single submitter. Criteria: ACMG Guidelines, 2015. Collection method: clinical testing. Allele origin: unknown.

Natera, Inc.
Classification: Uncertain significance for Ataxia-telangiectasia. Last evaluated: 2021-08-31. Review status: no assertion criteria provided. Collection method: clinical testing. Allele origin: germline. Not counted in ClinVar's aggregate classification.